The following is an entry in ClinVar:

ClinVar aggregate classification (germline): Uncertain significance (1 of 4 stars; one submission).

Conditions:
Perlman syndrome (PRLMNS). Identifiers: Orphanet 2849, MedGen C0796113, MONDO:0009965, OMIM 267000.

Submission:

Labcorp Genetics (formerly Invitae), Labcorp
Classification: Uncertain significance for Perlman syndrome. Last evaluated: 2023-10-16. Review status: criteria provided, single submitter. Criteria: Invitae Variant Classification Sherloc (09022015). Collection method: clinical testing. Allele origin: germline.
Comment: This sequence change replaces lysine, which is basic and polar, with threonine, which is neutral and polar, at codon 283 of the DIS3L2 protein (p.Lys283Thr). This variant is not present in population databases (gnomAD no frequency). This variant has not been reported in the literature in individuals affected with DIS3L2-related conditions. Advanced modeling of protein sequence and biophysical properties (such as structural, functional, and spatial information, amino acid conservation, physicochemical variation, residue mobility, and thermodynamic stability) performed at Invitae indicates that this missense variant is not expected to disrupt DIS3L2 protein function. In summary, the available evidence is currently insufficient to determine the role of this variant in disease. Therefore, it has been classified as a Variant of Uncertain Significance.

NM_152383.5(DIS3L2):c.848A>C (p.Lys283Thr)

Gene: DIS3L2 (DIS3 like 3'-5' exoribonuclease 2; plus strand). Cytogenetic location: 2q37.1.
Variant type: single nucleotide variant.
Coding change: c.848A>C on transcript NM_152383.5 (MANE Select); coding-DNA position 848, A replaced by C.
Protein change: p.Lys283Thr; replaces lysine 283 with threonine.
Molecular consequence: missense variant. On other transcripts: non-coding transcript variant (1).
Genome position (GRCh38, 1-based): chr2:232,136,617, A>C. VCF-style: chr2-232136617-A-C. GRCh37 (hg19) VCF-style: chr2-233001327-A-C.
Other names: c.848A>C, p.Lys283Thr (NM_001257281.2); short protein forms K283T.
Identifiers: ClinVar variation 2768901 (VCV002768901.3), dbSNP rs2106355478, ClinGen allele CA351153719.